The following is an entry in ClinVar:

ClinVar aggregate classification (germline): Uncertain significance (1 of 4 stars; one submission).

Conditions:
LRP2-related disorder. Also called: LRP2-related condition.

gnomAD v4.1: 5 of 1,614,032 alleles (0.00031%); highest among the groups gnomAD compares: South Asian, 0.0011%; no homozygotes.

Submission:

PreventionGenetics, part of Exact Sciences
Classification: Uncertain significance for LRP2-related condition. Last evaluated: 2026-06-04. Review status: criteria provided, single submitter. Criteria: ACMG Guidelines, 2015. Collection method: clinical testing. Allele origin: germline.
Comment: The LRP2 c.1701A>G variant is predicted to result in the amino acid substitution p.Ile567Met. To our knowledge, this variant has not been reported in the literature. This variant is reported in 0.00088% of alleles in individuals of European (Non-Finnish) descent in gnomAD. At this time, the clinical significance of this variant is uncertain due to the absence of conclusive functional and genetic evidence.

NM_004525.3(LRP2):c.1701A>G (p.Ile567Met)

Gene: LRP2 (LDL receptor related protein 2; minus strand). Cytogenetic location: 2q31.1.
Variant type: single nucleotide variant.
Coding change: c.1701A>G on transcript NM_004525.3 (MANE Select); coding-DNA position 1701, A replaced by G.
Protein change: p.Ile567Met; replaces isoleucine 567 with methionine.
Molecular consequence: missense variant.
Genome position (GRCh38, 1-based): chr2:169,277,816, T>C on the plus strand (A>G on the coding strand, the complement: LRP2 is on the minus strand). VCF-style: chr2-169277816-T-C. GRCh37 (hg19) VCF-style: chr2-170134326-T-C.
Other names: short protein forms I567M.
Identifiers: ClinVar variation 4977103 (VCV004977103.1).
Genomic context (GRCh38, chr2:169,277,816, plus strand): 5'-ATCATAAGTTACAGTTTCAATGTAATCAAACCGAGAGTCAACCCAGTAAACACGCTTCGA[T>C]ATCATATCCAGAGTTACCCCAGCAGGCCATCCCAGCTTTGTTTTCACCAAGTCTTTACGG-3'
Protein context (NP_004516.2, residues 557-577): GWPAGVTLDM[Ile567Met]SKRVYWVDSR